The following is an entry in ClinVar:

ClinVar aggregate classification (germline): Conflicting classifications of pathogenicity. Review status: criteria provided, conflicting classifications (1 of 4 stars). 3 submissions from 3 submitters: Uncertain significance (1); Likely benign (2). Last evaluated 2026-06-01.

Conditions:
Primary ciliary dyskinesia 28. Also called: CILIARY DYSKINESIA, PRIMARY, 28, WITH OR WITHOUT SITUS INVERSUS. Identifiers: Orphanet 244, MedGen C3809706, MONDO:0014216, OMIM 615505.

Allele frequency attached by ClinVar (database versions not stated): gnomAD 0.00002; gnomAD exomes 0.00005; TOPMed 0.00005; ESP Exome Variant Server 0.00008; ExAC 0.00011; 1000 Genomes Project 0.00020; 1000 Genomes Project 30x 0.00031.
gnomAD v4.1: 71 of 1,604,570 alleles (0.0044%); highest among the groups gnomAD compares: Admixed American, 0.047%; 1 homozygote.

Submissions (3):

CeGaT Center for Human Genetics Tuebingen
Classification: Likely benign. Last evaluated: 2026-06-01. Review status: criteria provided, single submitter. Criteria: CeGaT Center For Human Genetics Tuebingen Variant Classification Criteria Version 2. Collection method: clinical testing. Allele origin: germline. Affected: yes. Observed: 1 variant allele.
Comment: SPAG1: BS2

Labcorp Genetics (formerly Invitae), Labcorp
Classification: Likely benign for Primary ciliary dyskinesia 28. Last evaluated: 2026-01-27. Review status: criteria provided, single submitter. Criteria: Invitae Variant Classification Sherloc (09022015). Collection method: clinical testing. Allele origin: germline.

GeneDx
Classification: Uncertain significance. Last evaluated: 2025-11-13. Review status: criteria provided, single submitter. Criteria: GeneDx Variant Classification Process June 2021. Collection method: clinical testing. Allele origin: germline. Affected: yes.
Comment: Has not been previously published as pathogenic or benign to our knowledge; In silico analysis suggests this variant may impact gene splicing. In the absence of RNA/functional studies, the actual effect of this sequence change is unknown.

NM_003114.5(SPAG1):c.1476T>C (p.Asn492=)

Gene: SPAG1 (sperm associated antigen 1; plus strand). Cytogenetic location: 8q22.2.
Variant type: single nucleotide variant.
Coding change: c.1476T>C on transcript NM_003114.5 (MANE Select); coding-DNA position 1476, T replaced by C.
Protein change: p.Asn492=; no amino-acid change (asparagine 492 retained).
Molecular consequence: synonymous variant.
Genome position (GRCh38, 1-based): chr8:100,213,859, T>C. VCF-style: chr8-100213859-T-C. GRCh37 (hg19) VCF-style: chr8-101226087-T-C.
Other names: c.1476T>C (NM_172218.2); c.1476T>C, p.Asn492= (NM_001374321.1, NM_172218.3).
Identifiers: ClinVar variation 2722888 (VCV002722888.6), dbSNP rs377184852, ClinGen allele CA4827501.